The following is an entry in ClinVar:

ClinVar aggregate classification (germline): Uncertain significance (1 of 4 stars; one submission).

Conditions:
Hereditary breast ovarian cancer syndrome. Also called: Breast and ovarian cancer; Hereditary breast and/or ovarian cancer syndrome; Hereditary breast and ovarian cancer; Hereditary breast and ovarian cancer syndrome; Hereditary breast and ovarian cancer syndrome (HBOC); BRCA1- and BRCA2-Associated Hereditary Breast and Ovarian Cancer. Identifiers: Orphanet 145, MedGen C0677776, MeSH D061325, MONDO:0003582. Disease mechanism: loss of function.

Submission:

Labcorp Genetics (formerly Invitae), Labcorp
Classification: Uncertain significance for Hereditary breast ovarian cancer syndrome. Last evaluated: 2025-08-02. Review status: criteria provided, single submitter. Criteria: Invitae Variant Classification Sherloc (09022015). Collection method: clinical testing. Allele origin: germline.
Comment: This sequence change replaces isoleucine, which is neutral and non-polar, with leucine, which is neutral and non-polar, at codon 2230 of the BRCA2 protein (p.Ile2230Leu). This variant is not present in population databases (gnomAD no frequency). This variant has not been reported in the literature in individuals affected with BRCA2-related conditions. Invitae Evidence Modeling of protein sequence and biophysical properties (such as structural, functional, and spatial information, amino acid conservation, physicochemical variation, residue mobility, and thermodynamic stability) indicates that this missense variant is not expected to disrupt BRCA2 protein function with a negative predictive value of 95%. In summary, the available evidence is currently insufficient to determine the role of this variant in disease. Therefore, it has been classified as a Variant of Uncertain Significance.

NM_000059.4(BRCA2):c.6688A>C (p.Ile2230Leu)

Gene: BRCA2 (BRCA2 DNA repair associated; plus strand). Cytogenetic location: 13q13.1.
Variant type: single nucleotide variant.
Coding change: c.6688A>C on transcript NM_000059.4 (MANE Select); coding-DNA position 6688, A replaced by C.
Protein change: p.Ile2230Leu; replaces isoleucine 2230 with leucine.
Molecular consequence: missense variant. On other transcripts: non-coding transcript variant (1), intron variant (2).
Genome position (GRCh38, 1-based): chr13:32,341,043, A>C. VCF-style: chr13-32341043-A-C. GRCh37 (hg19) VCF-style: chr13-32915180-A-C.
Other names: c.6688A>C, p.Ile2230Leu (NM_001406719.1, NM_001406720.1, NM_001432077.1); c.1910-3515A>C (NM_001406721.1); c.425-3515A>C (NM_001406722.1); short protein forms I2230L.
Identifiers: ClinVar variation 4739100 (VCV004739100.1).